The following is an entry in ClinVar:

NM_080425.4(GNAS):c.919C>G (p.Pro307Ala)

Gene: GNAS (GNAS complex locus; plus strand). Cytogenetic location: 20q13.32.
Variant type: single nucleotide variant.
Coding change: c.919C>G on transcript NM_080425.4 (MANE Plus Clinical); coding-DNA position 919, C replaced by G.
Protein change: p.Pro307Ala; replaces proline 307 with alanine.
Molecular consequence: missense variant. On other transcripts: intron variant (3).
Genome position (GRCh38, 1-based): chr20:58,854,184, C>G. VCF-style: chr20-58854184-C-G. GRCh37 (hg19) VCF-style: chr20-57429239-C-G.
Other names: c.732C>G, p.Asp244Glu (NM_001077490.3, NM_001309883.1); c.919C>G, p.Pro307Ala (NM_001410913.1); c.*42+13298C>G (NM_016592.5); c.43+13298C>G (NM_001410912.1); c.-39+12309C>G (NM_001309861.2); short protein forms D244E, P307A.
Identifiers: ClinVar variation 391701 (VCV000391701.4), dbSNP rs1057524198, ClinGen allele CA16609048.

ClinVar aggregate classification (germline): Uncertain significance (1 of 4 stars; one submission).

Submission:

GeneDx
Classification: Uncertain significance. Last evaluated: 2016-12-30. Review status: criteria provided, single submitter. Criteria: GeneDx Variant Classification (06012015). Collection method: clinical testing. Allele origin: germline. Affected: yes.
Comment: The P307A variant, present in an alternate transcript of the GNAS gene, has not been reported previously as a pathogenic variant, nor as a benign variant, to our knowledge. The P307A variant was not observed in approximately 6,000 individuals of European and African American ancestry in the NHLBI Exome Sequencing Project, indicating it is not a common benign variant in these populations. The P307A variant is a semi-conservative amino acid substitution, which may impact secondary protein structure as these residues differ in some properties. This substitution occurs at a position that is conserved in mammals. In silico analysis predicts this variant is probably damaging to the protein structure/function. We interpret P307A as a variant of uncertain significance.